The following is an entry in ClinVar:

NM_007255.3(B4GALT7):c.777T>C (p.His259=)

Gene: B4GALT7 (beta-1,4-galactosyltransferase 7; plus strand). Cytogenetic location: 5q35.3.
Variant type: single nucleotide variant.
Coding change: c.777T>C on transcript NM_007255.3 (MANE Select); coding-DNA position 777, T replaced by C.
Protein change: p.His259=; no amino-acid change (histidine 259 retained).
Molecular consequence: synonymous variant.
Genome position (GRCh38, 1-based): chr5:177,608,963, T>C. VCF-style: chr5-177608963-T-C. GRCh37 (hg19) VCF-style: chr5-177035964-T-C.
Other names: p.His259=.
Identifiers: ClinVar variation 377547 (VCV000377547.18), dbSNP rs729459, ClinGen allele CA3586684.
Genomic context (GRCh38, chr5:177,608,963, plus strand): 5'-TCCCTAGCTTTTCCGCCCCTCGGGAATCACAACTGGGTACAAGACATTTCGCCACCTGCA[T>C]GACCCAGCCTGGCGGAAGAGGGACCAGAAGCGCATCGCAGCTCAAAAACAGGTGCTGGCA-3'
Protein context (NP_009186.1, residues 249-269): TTGYKTFRHL[His259=]DPAWRKRDQK

ClinVar aggregate classification (germline): Benign. Review status: criteria provided, multiple submitters, no conflicts (2 of 4 stars). 8 submissions from 8 submitters: Benign (6). 2 of the submissions do not count toward it. Last evaluated 2026-02-04.

Conditions:
Spondylodysplastic Ehlers-Danlos syndrome. Identifiers: Orphanet 536471, Orphanet 75496, MedGen C5680154, MONDO:0007526.

Allele frequency attached by ClinVar (database versions not stated): ESP Exome Variant Server 0.57481; gnomAD 0.58746 and 0.58812; ExAC 0.59031; TOPMed 0.59073; gnomAD exomes 0.59329; 1000 Genomes Project 30x 0.60306; 1000 Genomes Project 0.60503.
gnomAD v4.1: 914,482 of 1,612,882 alleles (57%); highest among the groups gnomAD compares: East Asian, 80%; 261,972 homozygotes.

Submissions (8):

Labcorp Genetics (formerly Invitae), Labcorp
Classification: Benign for Spondylodysplastic Ehlers-Danlos syndrome. Last evaluated: 2026-02-04. Review status: criteria provided, single submitter. Criteria: Invitae Variant Classification Sherloc (09022015). Collection method: clinical testing. Allele origin: germline.

Women's Health and Genetics/Laboratory Corporation of America, LabCorp
Classification: Benign. Last evaluated: 2026-01-21. Review status: criteria provided, single submitter. Criteria: LabCorp Variant Classification Summary - May 2015. Collection method: clinical testing. Allele origin: germline.

Blueprint Genetics
Classification: Benign. Last evaluated: 2024-11-26. Review status: criteria provided, single submitter. Criteria: ACMG Guidelines, 2015. Collection method: clinical testing. Allele origin: germline.

Mayo Clinic Laboratories, Mayo Clinic
Classification: Benign. Last evaluated: 2022-04-26. Review status: criteria provided, single submitter. Criteria: ACMG Guidelines, 2015. Collection method: clinical testing. Allele origin: germline. Observed: 2,563 variant alleles.

Genome-Nilou Lab
Classification: Benign for Ehlers-Danlos syndrome, spondylodysplastic type, 1. Last evaluated: 2021-07-14. Review status: criteria provided, single submitter. Criteria: ACMG Guidelines, 2015. Collection method: clinical testing. Allele origin: germline. Affected: no.

GeneDx
Classification: Benign. Last evaluated: 2016-09-29. Review status: criteria provided, single submitter. Criteria: GeneDx Variant Classification (06012015). Collection method: clinical testing. Allele origin: germline. Affected: yes.
Comment: This variant is considered likely benign or benign based on one or more of the following criteria: it is a conservative change, it occurs at a poorly conserved position in the protein, it is predicted to be benign by multiple in silico algorithms, and/or has population frequency not consistent with disease.

Genome Diagnostics Laboratory, Amsterdam University Medical Center
Classification: Benign for Ehlers-Danlos syndrome, spondylodysplastic type, 1. Last evaluated: 2015-02-25. Review status: no assertion criteria provided. Criteria: ACGS Guidelines, 2013. Collection method: clinical testing. Allele origin: germline. Affected: yes. Study: VKGL Data-share Consensus. Not counted in ClinVar's aggregate classification.

Diagnostic Laboratory, Department of Genetics, University Medical Center Groningen
Classification: Benign for Ehlers-Danlos syndrome, spondylodysplastic type, 1. Review status: no assertion criteria provided. Collection method: clinical testing. Allele origin: germline. Affected: yes. Study: VKGL Data-share Consensus. Not counted in ClinVar's aggregate classification.